The following is an entry in ClinVar:

NM_001330260.2(SCN8A):c.4657A>G (p.Ile1553Val)

Gene: SCN8A (sodium voltage-gated channel alpha subunit 8; plus strand). Cytogenetic location: 12q13.13.
Variant type: single nucleotide variant.
Coding change: c.4657A>G on transcript NM_001330260.2 (MANE Select); coding-DNA position 4657, A replaced by G.
Protein change: p.Ile1553Val; replaces isoleucine 1553 with valine.
Molecular consequence: missense variant.
Genome position (GRCh38, 1-based): chr12:51,794,503, A>G. VCF-style: chr12-51794503-A-G. GRCh37 (hg19) VCF-style: chr12-52188287-A-G.
Other names: c.4534A>G, p.Ile1512Val (NM_001177984.3, NM_001369788.1); c.4657A>G, p.Ile1553Val (NM_014191.4); short protein forms I1512V, I1553V.
Identifiers: ClinVar variation 3911934 (VCV003911934.2).

ClinVar aggregate classification (germline): Uncertain significance (1 of 4 stars; one submission).

Submission:

Women's Health and Genetics/Laboratory Corporation of America, LabCorp
Classification: Uncertain significance. Last evaluated: 2025-07-03. Review status: criteria provided, single submitter. Criteria: LabCorp Variant Classification Summary - May 2015. Collection method: clinical testing. Allele origin: germline.
Comment: Variant summary: SCN8A c.4657A>G (p.Ile1553Val) results in a conservative amino acid change in the encoded protein sequence. Algorithms developed to predict the effect of missense changes on protein structure and function are either unavailable or do not agree on the potential impact of this missense change. The variant was absent in 249208 control chromosomes. The available data on variant occurrences in the general population are insufficient to allow any conclusion about variant significance. To our knowledge, no occurrence of c.4657A>G in individuals affected with Early Infantile Epileptic Encephalopathy 13 and no experimental evidence demonstrating its impact on protein function have been reported. No submitters have cited clinical-significance assessments for this variant to ClinVar. Based on the evidence outlined above, the variant was classified as uncertain significance.